The following is an entry in ClinVar:

NM_000465.4(BARD1):c.1634T>C (p.Leu545Pro)

Gene: BARD1 (BRCA1 associated RING domain 1; minus strand). Cytogenetic location: 2q35.
Variant type: single nucleotide variant.
Coding change: c.1634T>C on transcript NM_000465.4 (MANE Select); coding-DNA position 1634, T replaced by C.
Protein change: p.Leu545Pro; replaces leucine 545 with proline.
Molecular consequence: missense variant. On other transcripts: non-coding transcript variant (3), intron variant (1).
Genome position (GRCh38, 1-based): chr2:214,752,490, A>G on the plus strand (T>C on the coding strand, the complement: BARD1 is on the minus strand). VCF-style: chr2-214752490-A-G. GRCh37 (hg19) VCF-style: chr2-215617214-A-G.
Other names: c.1577T>C, p.Leu526Pro (NM_001282543.2); c.281T>C, p.Leu94Pro (NM_001282545.2); c.224T>C, p.Leu75Pro (NM_001282548.2); c.365-21982T>C (NM_001282549.2); short protein forms L545P, L526P, L75P, L94P.
Identifiers: ClinVar variation 229692 (VCV000229692.15), dbSNP rs876658145, ClinGen allele CA10577795.
Genomic context (GRCh38, chr2:214,752,490, plus strand): 5'-GCTAAATCCATACTTACTACTGAGCAGTGGCTAGCTGAGGATGATTCATTCTTCTCTGGT[A>G]GCAGCAATAGCGATTTCATACTTTCATCATCTGTATAATCGACAGGCCGCAGACCAAATA-3'
Protein context (NP_000456.2, residues 535-555): DDESMKSLLL[Leu545Pro]PEKNESSSAS

ClinVar aggregate classification (germline): Uncertain significance. Review status: criteria provided, multiple submitters, no conflicts (2 of 4 stars). 2 submissions from 2 submitters: Uncertain significance (2). Last evaluated 2025-05-17.

Conditions:
Hereditary cancer-predisposing syndrome. Also called: Hereditary neoplastic syndrome; Hereditary Cancer Syndrome; Neoplastic Syndromes, Hereditary; Tumor predisposition. Identifiers: Orphanet 140162, MedGen C0027672, MeSH D009386, MONDO:0015356.
Familial cancer of breast. Also called: Hereditary breast cancer; BREAST CANCER, FAMILIAL; hereditary breast carcinoma. Identifiers: Orphanet 227535, MedGen C0346153, MONDO:0016419, OMIM 114480. Disease mechanism: loss of function.

Submissions (2):

Ambry Genetics
Classification: Uncertain significance for Hereditary cancer-predisposing syndrome. Last evaluated: 2025-05-17. Review status: criteria provided, single submitter. Criteria: Ambry Variant Classification Scheme 2023. Collection method: clinical testing. Allele origin: germline.
Comment: The p.L545P variant (also known as c.1634T>C), located in coding exon 7 of the BARD1 gene, results from a T to C substitution at nucleotide position 1634. The leucine at codon 545 is replaced by proline, an amino acid with similar properties. This amino acid position is well conserved in available vertebrate species. In addition, the in silico prediction for this alteration is inconclusive. Since supporting evidence is limited at this time, the clinical significance of this alteration remains unclear.

Labcorp Genetics (formerly Invitae), Labcorp
Classification: Uncertain significance for Familial cancer of breast. Last evaluated: 2024-05-13. Review status: criteria provided, single submitter. Criteria: Invitae Variant Classification Sherloc (09022015). Collection method: clinical testing. Allele origin: germline.
Comment: This sequence change replaces leucine, which is neutral and non-polar, with proline, which is neutral and non-polar, at codon 545 of the BARD1 protein (p.Leu545Pro). This variant is not present in population databases (gnomAD no frequency). This variant has not been reported in the literature in individuals affected with BARD1-related conditions. ClinVar contains an entry for this variant (Variation ID: 229692). Algorithms developed to predict the effect of missense changes on protein structure and function output the following: SIFT: "Not Available"; PolyPhen-2: "Benign"; Align-GVGD: "Not Available". The proline amino acid residue is found in multiple mammalian species, which suggests that this missense change does not adversely affect protein function. In summary, the available evidence is currently insufficient to determine the role of this variant in disease. Therefore, it has been classified as a Variant of Uncertain Significance.